The following is an entry in ClinVar:

ClinVar aggregate classification (germline): Uncertain significance (1 of 4 stars; one submission).

Allele frequency attached by ClinVar (database versions not stated): gnomAD exomes below 0.00001; TOPMed below 0.00001; ExAC 0.00001.
gnomAD v4.1: 1 of 1,613,202 alleles (0.000062%); highest among the groups gnomAD compares: African/African-American, 0.0013%; no homozygotes.

Submission:

Labcorp Genetics (formerly Invitae), Labcorp
Classification: Uncertain significance. Last evaluated: 2022-04-06. Review status: criteria provided, single submitter. Criteria: Invitae Variant Classification Sherloc (09022015). Collection method: clinical testing. Allele origin: germline.
Comment: This sequence change replaces methionine, which is neutral and non-polar, with threonine, which is neutral and polar, at codon 764 of the LRP2 protein (p.Met764Thr). This variant is present in population databases (rs752750657, gnomAD 0.007%). This variant has not been reported in the literature in individuals affected with LRP2-related conditions. Algorithms developed to predict the effect of missense changes on protein structure and function output the following: SIFT: "Deleterious"; PolyPhen-2: "Benign"; Align-GVGD: "Class C0". The threonine amino acid residue is found in multiple mammalian species, which suggests that this missense change does not adversely affect protein function. In summary, the available evidence is currently insufficient to determine the role of this variant in disease. Therefore, it has been classified as a Variant of Uncertain Significance.

NM_004525.3(LRP2):c.2291T>C (p.Met764Thr)

Gene: LRP2 (LDL receptor related protein 2; minus strand). Cytogenetic location: 2q31.1.
Variant type: single nucleotide variant.
Coding change: c.2291T>C on transcript NM_004525.3 (MANE Select); coding-DNA position 2291, T replaced by C.
Protein change: p.Met764Thr; replaces methionine 764 with threonine.
Molecular consequence: missense variant.
Genome position (GRCh38, 1-based): chr2:169,270,933, A>G on the plus strand (T>C on the coding strand, the complement: LRP2 is on the minus strand). VCF-style: chr2-169270933-A-G. GRCh37 (hg19) VCF-style: chr2-170127443-A-G.
Other names: short protein forms M764T.
Identifiers: ClinVar variation 2122033 (VCV002122033.1), dbSNP rs752750657, ClinGen allele CA1955340.